The following is an entry in ClinVar:

NM_005982.4(SIX1):c.634C>T (p.Leu212Phe)

Gene: SIX1 (SIX homeobox 1; minus strand). Cytogenetic location: 14q23.1.
Variant type: single nucleotide variant.
Coding change: c.634C>T on transcript NM_005982.4 (MANE Select); coding-DNA position 634, C replaced by T.
Protein change: p.Leu212Phe; replaces leucine 212 with phenylalanine.
Molecular consequence: missense variant. On other transcripts: 3 prime UTR variant (1).
Genome position (GRCh38, 1-based): chr14:60,646,504, G>A on the plus strand (C>T on the coding strand, the complement: SIX1 is on the minus strand). VCF-style: chr14-60646504-G-A. GRCh37 (hg19) VCF-style: chr14-61113222-G-A.
Other names: c.*53C>T (NM_001425142.1); short protein forms L212F.
Identifiers: ClinVar variation 3902199 (VCV003902199.1).
Genomic context (GRCh38, chr14:60,646,504, plus strand): 5'-GGACCGAGTTCTGGTCTGGACTTTGGGGAGGTGAGAATTCCTCTTCTGAGCTGGACATGA[G>A]CGGCTTGCCCCCTTCCAGAGGAGAGAGTTGGTTCTGCTTGTTGGAGGAGGAGTTATTGTT-3'
Protein context (NP_005973.1, residues 202-222): QLSPLEGGKP[Leu212Phe]MSSSEEEFSP

ClinVar aggregate classification (germline): Uncertain significance (1 of 4 stars; one submission).

gnomAD v4.1: 4 of 1,613,624 alleles (0.00025%); highest among the groups gnomAD compares: Non-Finnish European, 0.00034%; no homozygotes.

Submission:

Women's Health and Genetics/Laboratory Corporation of America, LabCorp
Classification: Uncertain significance. Last evaluated: 2025-05-29. Review status: criteria provided, single submitter. Criteria: LabCorp Variant Classification Summary - May 2015. Collection method: clinical testing. Allele origin: germline.
Comment: Variant summary: SIX1 c.634C>T (p.Leu212Phe) results in a non-conservative amino acid change in the encoded protein sequence. Algorithms developed to predict the effect of missense changes on protein structure and function are either unavailable or do not agree on the potential impact of this missense change. The variant allele was found at a frequency of 8e-06 in 249168 control chromosomes. The available data on variant occurrences in the general population are insufficient to allow any conclusion about variant significance. To our knowledge, no occurrence of c.634C>T in individuals affected with Branchiootic Syndrome 3 and no experimental evidence demonstrating its impact on protein function have been reported. No submitters have cited clinical-significance assessments for this variant to ClinVar. Based on the evidence outlined above, the variant was classified as uncertain significance.